The following is an entry in ClinVar:

ClinVar aggregate classification (germline): Uncertain significance (1 of 4 stars; one submission).

Conditions:
Inflammatory bowel disease 28. Also called: Inflammatory bowel disease 28, early onset, autosomal recessive. Identifiers: Orphanet 238569, MedGen C2751053, MONDO:0013153, OMIM 613148.

Submission:

Labcorp Genetics (formerly Invitae), Labcorp
Classification: Uncertain significance for Inflammatory bowel disease 28. Last evaluated: 2021-08-26. Review status: criteria provided, single submitter. Criteria: Invitae Variant Classification Sherloc (09022015). Collection method: clinical testing. Allele origin: germline.
Comment: This sequence change replaces glycine with aspartic acid at codon 418 of the IL10RA protein (p.Gly418Asp). The glycine residue is weakly conserved and there is a moderate physicochemical difference between glycine and aspartic acid. This variant is not present in population databases (ExAC no frequency). This variant has not been reported in the literature in individuals affected with IL10RA-related conditions. Algorithms developed to predict the effect of missense changes on protein structure and function output the following: SIFT: "Tolerated"; PolyPhen-2: "Benign"; Align-GVGD: "Class C0". The aspartic acid amino acid residue is found in multiple mammalian species, which suggests that this missense change does not adversely affect protein function. In summary, the available evidence is currently insufficient to determine the role of this variant in disease. Therefore, it has been classified as a Variant of Uncertain Significance.

NM_001558.4(IL10RA):c.1253G>A (p.Gly418Asp)

Gene: IL10RA (interleukin 10 receptor subunit alpha; plus strand). Cytogenetic location: 11q23.3.
Variant type: single nucleotide variant.
Coding change: c.1253G>A on transcript NM_001558.4 (MANE Select); coding-DNA position 1253, G replaced by A.
Protein change: p.Gly418Asp; replaces glycine 418 with aspartic acid.
Molecular consequence: missense variant. On other transcripts: non-coding transcript variant (1).
Genome position (GRCh38, 1-based): chr11:117,999,157, G>A. VCF-style: chr11-117999157-G-A. GRCh37 (hg19) VCF-style: chr11-117869872-G-A.
Other names: short protein forms G418D.
Identifiers: ClinVar variation 1432304 (VCV001432304.5), dbSNP rs2134996550, ClinGen allele CA382780548.